The following is an entry in ClinVar:

NM_015015.3(KDM4B):c.2112del (p.Pro704_Ile705insTer)

Gene: KDM4B (lysine demethylase 4B; plus strand). Cytogenetic location: 19p13.3.
Variant type: Deletion.
Coding change: c.2112del on transcript NM_015015.3 (MANE Select); coding-DNA position 2112, one base deleted (C; older notation c.2112delC).
Protein change: p.Pro704_Ile705insTer.
Molecular consequence: frameshift variant.
Genome position (GRCh38, 1-based): chr19:5,135,365, C deleted; the last of 3 consecutive C bases (chr19:5,135,363-5,135,365); deleting any one gives the same sequence. VCF-style (leftmost placement, unchanged base first): chr19-5135362-AC-A. GRCh37 (hg19) VCF-style: chr19-5135373-AC-A.
Other names: c.2214del, p.Pro738_Ile739insTer (NM_001411148.1).
Identifiers: ClinVar variation 4531250 (VCV004531250.1).

ClinVar aggregate classification (germline): Likely pathogenic (1 of 4 stars; one submission).

Conditions:
Intellectual developmental disorder, autosomal dominant 65. Also called: MENTAL RETARDATION, AUTOSOMAL DOMINANT 65. Identifiers: MedGen C5543371, MONDO:0023657, OMIM 619320.

Submission:

Juno Genomics, Hangzhou Juno Genomics, Inc
Classification: Likely pathogenic for Intellectual developmental disorder, autosomal dominant 65. Review status: criteria provided, single submitter. Criteria: ACMG Guidelines, 2015. Collection method: clinical testing. Allele origin: germline. Affected: yes.
Comment: Absent from controls (or at extremely low frequency if recessive) in Genome Aggregation Database, Exome Sequencing Project, 1000 Genomes Project, or Exome Aggregation Consortium.;Null variant in a gene where loss of function (LOF) is a known mechanism of disease.